The following is an entry in ClinVar:

NM_004341.5(CAD):c.3016G>A (p.Glu1006Lys)

Gene: CAD (carbamoyl-phosphate synthetase 2, aspartate transcarbamylase, and dihydroorotase; plus strand). Cytogenetic location: 2p23.3.
Variant type: single nucleotide variant.
Coding change: c.3016G>A on transcript NM_004341.5 (MANE Select); coding-DNA position 3016, G replaced by A.
Protein change: p.Glu1006Lys; replaces glutamic acid 1006 with lysine.
Molecular consequence: missense variant.
Genome position (GRCh38, 1-based): chr2:27,233,336, G>A. VCF-style: chr2-27233336-G-A. GRCh37 (hg19) VCF-style: chr2-27456204-G-A.
Other names: c.2827G>A, p.Glu943Lys (NM_001306079.2); short protein forms E1006K, E943K.
Identifiers: ClinVar variation 2504389 (VCV002504389.2), dbSNP rs748783583, ClinGen allele CA1573189.
Genomic context (GRCh38, chr2:27,233,336, plus strand): 5'-TTGCTGCCACCACTTGTTTCTCCCCCTGCAACGTAGGTGGTGATGGACATCTATGAGCTC[G>A]AGAACCCTGAAGGTGTGATCCTATCCATGGGTGGACAGCTGCCCAACAACATGGCCATGG-3'
Protein context (NP_004332.2, residues 996-1016): FEVVMDIYEL[Glu1006Lys]NPEGVILSMG

ClinVar aggregate classification (germline): Uncertain significance. Review status: criteria provided, multiple submitters, no conflicts (2 of 4 stars). 2 submissions from 2 submitters: Uncertain significance (2). Last evaluated 2026-08-06.

Conditions:
Developmental and epileptic encephalopathy, 50 (DEE50). Also called: Epileptic encephalopathy, early infantile, 50. Identifiers: Orphanet 448010, MedGen C4225320, MONDO:0014647, OMIM 616457.

Allele frequency attached by ClinVar (database versions not stated): gnomAD exomes 0.00001; ExAC 0.00001.
gnomAD v4.1: 7 of 1,614,042 alleles (0.00043%); highest among the groups gnomAD compares: Non-Finnish European, 0.00017%; no homozygotes.

Submissions (2):

OLLIN Analises Genomicas, OLLIN
Classification: Uncertain significance for Developmental and epileptic encephalopathy, 50. Last evaluated: 2026-08-06. Review status: criteria provided, single submitter. Criteria: ACMG Guidelines 2015 PMID 25741868. Collection method: clinical testing. Allele origin: germline. Inheritance: Autosomal recessive inheritance.
Comment: This missense variant, located in exon 20 (of 44), has been reported in ClinVar (accession VCV002504389.1) and in gnomAD with an allele frequency of 0.00043%. However, to our knowledge, it has not been reported in the scientific literature. In silico analysis predicts that this variant has a deleterious effect. According to the currently available evidence, this variant has been classified as uncertain significance (PM2_P, PP3_M).

GeneDx
Classification: Uncertain significance. Last evaluated: 2022-12-05. Review status: criteria provided, single submitter. Criteria: GeneDx Variant Classification Process June 2021. Collection method: clinical testing. Allele origin: germline. Affected: yes.
Comment: Not observed at significant frequency in large population cohorts (gnomAD); In silico analysis supports that this missense variant has a deleterious effect on protein structure/function; Has not been previously published as pathogenic or benign to our knowledge